The following is an entry in ClinVar:

NM_001111067.4(ACVR1):c.107T>C (p.Val36Ala)

Gene: ACVR1 (activin A receptor type 1; minus strand). Cytogenetic location: 2q24.1.
Variant type: single nucleotide variant.
Coding change: c.107T>C on transcript NM_001111067.4 (MANE Select); coding-DNA position 107, T replaced by C.
Protein change: p.Val36Ala; replaces valine 36 with alanine.
Molecular consequence: missense variant.
Genome position (GRCh38, 1-based): chr2:157,780,561, A>G on the plus strand (T>C on the coding strand, the complement: ACVR1 is on the minus strand). VCF-style: chr2-157780561-A-G. GRCh37 (hg19) VCF-style: chr2-158637073-A-G.
Other names: c.107T>C, p.Val36Ala (NM_001105.5, NM_001347663.1, NM_001347664.1 and 3 more transcripts); short protein forms V36A.
Identifiers: ClinVar variation 2723581 (VCV002723581.3), dbSNP rs377466501, ClinGen allele CA1919218.

ClinVar aggregate classification (germline): Uncertain significance (1 of 4 stars; one submission).

Allele frequency attached by ClinVar (database versions not stated): gnomAD exomes 0.00001.
gnomAD v4.1: 12 of 1,613,944 alleles (0.00074%); highest among the groups gnomAD compares: South Asian, 0.013%; no homozygotes.

Submission:

Labcorp Genetics (formerly Invitae), Labcorp
Classification: Uncertain significance. Last evaluated: 2022-11-16. Review status: criteria provided, single submitter. Criteria: Invitae Variant Classification Sherloc (09022015). Collection method: clinical testing. Allele origin: germline.
Comment: This variant is present in population databases (rs377466501, gnomAD 0.02%). This variant has not been reported in the literature in individuals affected with ACVR1-related conditions. This sequence change replaces valine, which is neutral and non-polar, with alanine, which is neutral and non-polar, at codon 36 of the ACVR1 protein (p.Val36Ala). In summary, the available evidence is currently insufficient to determine the role of this variant in disease. Therefore, it has been classified as a Variant of Uncertain Significance. Algorithms developed to predict the effect of missense changes on protein structure and function are either unavailable or do not agree on the potential impact of this missense change (SIFT: "Deleterious"; PolyPhen-2: "Benign"; Align-GVGD: "Class C0").